The following is an entry in ClinVar:

ClinVar aggregate classification (germline): Likely pathogenic (1 of 4 stars; one submission).

gnomAD v4.1: 26 of 1,613,238 alleles (0.0016%); highest among the groups gnomAD compares: Admixed American, 0.028%; no homozygotes.

Submissions (2):

GeneDx
Classification: Likely pathogenic. Last evaluated: 2026-04-06. Review status: criteria provided, single submitter. Criteria: GeneDx Variant Classification Process June 2021. Collection method: clinical testing. Allele origin: germline.
Comment: Canonical splice site variant predicted to result in a null allele in a gene for which loss of function is a known mechanism of disease; Has not been previously published as pathogenic or benign to our knowledge

Dr. Peter K. Rogan Lab, Western University
No classification provided (evidence only). Condition: Clear cell carcinoma of kidney. Review status: no classification provided. Collection method: in vitro. Allele origin: not applicable. Functional consequence: retained intron. Not counted in ClinVar's aggregate classification.

NM_017799.4(TMEM260):c.817-1G>A

Gene: TMEM260 (transmembrane protein 260; plus strand). Cytogenetic location: 14q22.3.
Variant type: single nucleotide variant.
Coding change: c.817-1G>A on transcript NM_017799.4 (MANE Select); the canonical splice acceptor site of the intron before coding-DNA position 817, G replaced by A.
Molecular consequence: splice acceptor variant.
Genome position (GRCh38, 1-based): chr14:56,612,244, G>A. VCF-style: chr14-56612244-G-A. GRCh37 (hg19) VCF-style: chr14-57078962-G-A.
Other names: NC_000014.8:g.57078962G>A.
Identifiers: ClinVar variation 4397695 (VCV004397695.2).
Genomic context (GRCh38, chr14:56,612,244, plus strand): 5'-ATAGCCTAATAAAGCGTCAGTTTAATGCTTGTGCAGATAAACTTTTGTCTTTTGTGTTTA[G>A]GCCAAATCTGAAATAGGATCCAGTATGTCTGAAATACTGCTGTGAGTATGAAATATTTGA-3'